The following is an entry in ClinVar:

ClinVar aggregate classification (germline): Conflicting classifications of pathogenicity. Review status: criteria provided, conflicting classifications (1 of 4 stars). 5 submissions from 5 submitters: Uncertain significance (1); Likely benign (3). 1 of the submissions does not count toward it. Last evaluated 2025-12-14.

Conditions:
SGCG-related disorder. Also called: SGCG-related condition.
Autosomal recessive limb-girdle muscular dystrophy type 2C (LGMDR5). Also called: MUSCULAR DYSTROPHY, LIMB-GIRDLE, AUTOSOMAL RECESSIVE 5; MUSCULAR DYSTROPHY, DUCHENNE-LIKE. Identifiers: Orphanet 353, MedGen C0410173, MONDO:0009677, OMIM 253700. Disease mechanism: Affects gamma-sarcoglycan and also disrupts the integrity of the entire sarcoglycan complex..

Allele frequency attached by ClinVar (database versions not stated): gnomAD 0.00004 and 0.00005; gnomAD exomes 0.00006 and 0.00009; ExAC 0.00007; TOPMed 0.00007.
gnomAD v4.1: 134 of 1,613,324 alleles (0.0083%); highest among the groups gnomAD compares: Non-Finnish European, 0.011%; no homozygotes.

Submissions (5):

Labcorp Genetics (formerly Invitae), Labcorp
Classification: Likely benign for Autosomal recessive limb-girdle muscular dystrophy type 2C. Last evaluated: 2025-12-14. Review status: criteria provided, single submitter. Criteria: Invitae Variant Classification Sherloc (09022015). Collection method: clinical testing. Allele origin: germline.

PreventionGenetics, part of Exact Sciences
Classification: Likely benign for SGCG-related condition. Last evaluated: 2025-02-08. Review status: criteria provided, single submitter. Criteria: ACMG Guidelines, 2015. Collection method: clinical testing. Allele origin: germline.
Comment: This variant is classified as likely benign based on ACMG/AMP sequence variant interpretation guidelines (Richards et al. 2015 PMID: 25741868, with internal and published modifications).

Eurofins Ntd Llc (ga)
Classification: Uncertain significance. Last evaluated: 2018-01-24. Review status: criteria provided, single submitter. Criteria: EGL Classification Definitions 2015. Collection method: clinical testing. Allele origin: germline. Observed: 2 variant alleles, 2 heterozygotes.

GeneDx
Classification: Likely benign. Last evaluated: 2017-03-01. Review status: criteria provided, single submitter. Criteria: GeneDx Variant Classification (06012015). Collection method: clinical testing. Allele origin: germline. Affected: yes.
Comment: This variant is considered likely benign or benign based on one or more of the following criteria: it is a conservative change, it occurs at a poorly conserved position in the protein, it is predicted to be benign by multiple in silico algorithms, and/or has population frequency not consistent with disease.

Natera, Inc.
Classification: Uncertain significance for Limb-girdle muscular dystrophy type 2C. Last evaluated: 2020-04-19. Review status: no assertion criteria provided. Collection method: clinical testing. Allele origin: germline. Not counted in ClinVar's aggregate classification.

NM_000231.3(SGCG):c.414A>G (p.Gln138=)

Gene: SGCG (sarcoglycan gamma; plus strand). Cytogenetic location: 13q12.12.
Variant type: single nucleotide variant.
Coding change: c.414A>G on transcript NM_000231.3 (MANE Select); coding-DNA position 414, A replaced by G.
Protein change: p.Gln138=; no amino-acid change (glutamine 138 retained).
Molecular consequence: synonymous variant.
Genome position (GRCh38, 1-based): chr13:23,279,387, A>G. VCF-style: chr13-23279387-A-G. GRCh37 (hg19) VCF-style: chr13-23853526-A-G.
Other names: c.468A>G, p.Gln156= (NM_001378244.1); c.414A>G, p.Gln138= (NM_001378245.1, NM_001378246.1).
Identifiers: ClinVar variation 499103 (VCV000499103.15), dbSNP rs770596449, ClinGen allele CA6909686.